The following is an entry in ClinVar:

ClinVar aggregate classification (germline): Likely benign. Review status: criteria provided, multiple submitters, no conflicts (2 of 4 stars). 2 submissions from 2 submitters: Likely benign (2). Last evaluated 2026-07-01.

Conditions:
Idiopathic generalized epilepsy. Also called: Generalised epilepsy; EIG. Identifiers: MedGen C0270850, MONDO:0005579, OMIM 600669.

Allele frequency attached by ClinVar (database versions not stated): TOPMed 0.00001.
gnomAD v4.1: 17 of 1,551,486 alleles (0.0011%); highest among the groups gnomAD compares: Admixed American, 0.033%; no homozygotes.

Submissions (2):

CeGaT Center for Human Genetics Tuebingen
Classification: Likely benign. Last evaluated: 2026-07-01. Review status: criteria provided, single submitter. Criteria: CeGaT Center For Human Genetics Tuebingen Variant Classification Criteria Version 2. Collection method: clinical testing. Allele origin: germline. Affected: yes. Observed: 1 variant allele.
Comment: GABRD: BP4, BP7

Labcorp Genetics (formerly Invitae), Labcorp
Classification: Likely benign for Idiopathic generalized epilepsy. Last evaluated: 2024-11-05. Review status: criteria provided, single submitter. Criteria: Invitae Variant Classification Sherloc (09022015). Collection method: clinical testing. Allele origin: germline.

NM_000815.5(GABRD):c.744C>G (p.Gly248=)

Gene: GABRD (gamma-aminobutyric acid type A receptor subunit delta; plus strand). Cytogenetic location: 1p36.33.
Variant type: single nucleotide variant.
Coding change: c.744C>G on transcript NM_000815.5 (MANE Select); coding-DNA position 744, C replaced by G.
Protein change: p.Gly248=; no amino-acid change (glycine 248 retained).
Molecular consequence: synonymous variant.
Genome position (GRCh38, 1-based): chr1:2,029,163, C>G. VCF-style: chr1-2029163-C-G. GRCh37 (hg19) VCF-style: chr1-1960602-C-G.
Identifiers: ClinVar variation 772048 (VCV000772048.11), dbSNP rs760689938, ClinGen allele CA534783.